The following is an entry in ClinVar:

NM_001370466.1(NOD2):c.2041C>T (p.Arg681Cys)

Gene: NOD2 (nucleotide binding oligomerization domain containing 2; plus strand). Cytogenetic location: 16q12.1.
Variant type: single nucleotide variant.
Coding change: c.2041C>T on transcript NM_001370466.1 (MANE Select); coding-DNA position 2041, C replaced by T.
Protein change: p.Arg681Cys; replaces arginine 681 with cysteine.
Molecular consequence: missense variant. On other transcripts: non-coding transcript variant (1).
Genome position (GRCh38, 1-based): chr16:50,712,033, C>T. VCF-style: chr16-50712033-C-T. GRCh37 (hg19) VCF-style: chr16-50745944-C-T.
Other names: c.2041C>T, p.Arg681Cys (NM_001293557.2); c.2122C>T, p.Arg708Cys (NM_022162.3); short protein forms R681C, R708C.
Identifiers: ClinVar variation 2198903 (VCV002198903.5), dbSNP rs747241427, ClinGen allele CA8051703.

ClinVar aggregate classification (germline): Conflicting classifications of pathogenicity. Review status: criteria provided, conflicting classifications (1 of 4 stars). 2 submissions from 2 submitters: Uncertain significance (1); Likely benign (1). Last evaluated 2026-02-12.

Conditions:
Blau syndrome (BLAUS). Also called: ARTHROCUTANEOUVEAL GRANULOMATOSIS; GRANULOMATOSIS, FAMILIAL JUVENILE SYSTEMIC; GRANULOMATOSIS, FAMILIAL, BLAU TYPE; GRANULOMATOUS INFLAMMATORY ARTHRITIS, DERMATITIS, AND UVEITIS, FAMILIAL; JABS SYNDROME. Identifiers: Orphanet 90340, MedGen C5201146, MONDO:0008523, OMIM 186580.
Regional enteritis. Also called: Enteritis, Granulomatous. Identifiers: MedGen C0678202, MeSH D003424.

Allele frequency attached by ClinVar (database versions not stated): TOPMed 0.00001; ExAC 0.00002; gnomAD exomes 0.00004.
gnomAD v4.1: 55 of 1,613,186 alleles (0.0034%); highest among the groups gnomAD compares: Middle Eastern, 0.017%; no homozygotes.

Submissions (2):

Women's Health and Genetics/Laboratory Corporation of America, LabCorp
Classification: Likely benign. Last evaluated: 2026-02-12. Review status: criteria provided, single submitter. Criteria: LabCorp Variant Classification Summary - May 2015. Collection method: clinical testing. Allele origin: germline.
Comment: Variant summary: NOD2 c.2122C>T (p.Arg708Cys) results in a non-conservative amino acid change in the encoded protein sequence. Algorithms developed to predict the effect of missense changes on protein structure and function are either unavailable or do not agree on the potential impact of this missense change. The variant allele was found at a frequency of 3.4e-05 in 1613186 control chromosomes. The observed variant frequency exceeds the estimated maximal expected allele frequency for disease-causing variants in NOD2. To our knowledge, no occurrence of c.2122C>T in individuals affected with NOD2-related conditions and no experimental evidence demonstrating its impact on protein function have been reported. ClinVar contains an entry for this variant (Variation ID: 2198903). Based on the evidence outlined above, the variant was classified as likely benign.

Labcorp Genetics (formerly Invitae), Labcorp
Classification: Uncertain significance for Regional enteritis; Blau syndrome. Last evaluated: 2024-10-17. Review status: criteria provided, single submitter. Criteria: Invitae Variant Classification Sherloc (09022015). Collection method: clinical testing. Allele origin: germline.
Comment: This sequence change replaces arginine, which is basic and polar, with cysteine, which is neutral and slightly polar, at codon 708 of the NOD2 protein (p.Arg708Cys). This variant is present in population databases (rs747241427, gnomAD 0.003%). This variant has not been reported in the literature in individuals affected with NOD2-related conditions. ClinVar contains an entry for this variant (Variation ID: 2198903). Invitae Evidence Modeling of protein sequence and biophysical properties (such as structural, functional, and spatial information, amino acid conservation, physicochemical variation, residue mobility, and thermodynamic stability) indicates that this missense variant is not expected to disrupt NOD2 protein function with a negative predictive value of 95%. In summary, the available evidence is currently insufficient to determine the role of this variant in disease. Therefore, it has been classified as a Variant of Uncertain Significance.